The following is an entry in ClinVar:

ClinVar aggregate classification (germline): Uncertain significance. Review status: criteria provided, multiple submitters, no conflicts (2 of 4 stars). 2 submissions from 2 submitters: Uncertain significance (2). Last evaluated 2024-07-25.

Conditions:
Familial adenomatous polyposis 1 (FAP1). Also called: FAMILIAL ADENOMATOUS POLYPOSIS 1, ATTENUATED; POLYPOSIS, ADENOMATOUS INTESTINAL. Identifiers: MedGen C2713442, MONDO:0021056, OMIM 175100. Disease mechanism: loss of function.

Submissions (2):

Labcorp Genetics (formerly Invitae), Labcorp
Classification: Uncertain significance for Familial adenomatous polyposis 1. Last evaluated: 2024-07-25. Review status: criteria provided, single submitter. Criteria: Invitae Variant Classification Sherloc (09022015). Collection method: clinical testing. Allele origin: germline.
Comment: This variant occurs in a non-coding region of the APC gene. It does not change the encoded amino acid sequence of the APC protein. This variant is not present in population databases (gnomAD no frequency). This variant has not been reported in the literature in individuals affected with APC-related conditions. Experimental studies and prediction algorithms are not available or were not evaluated, and the functional significance of this variant is currently unknown. In summary, the available evidence is currently insufficient to determine the role of this variant in disease. Therefore, it has been classified as a Variant of Uncertain Significance.

Breakthrough Genomics
Classification: Uncertain significance. Review status: criteria provided, single submitter. Criteria: ACMG Guidelines, 2015. Collection method: not provided. Allele origin: germline. Inheritance: Autosomal dominant inheritance. Affected: yes.

NM_001127511.3(APC):c.61G>C (p.Val21Leu)

Gene: APC (APC regulator of Wnt signaling pathway; plus strand). Cytogenetic location: 5q22.2.
Variant type: single nucleotide variant.
Coding change: c.61G>C on transcript NM_001127511.3; coding-DNA position 61, G replaced by C.
Protein change: p.Val21Leu; replaces valine 21 with leucine.
Molecular consequence: missense variant. On other transcripts: 5 prime UTR variant (8), non-coding transcript variant (1), intron variant (5).
Genome position (GRCh38, 1-based): chr5:112,707,778, G>C. VCF-style: chr5-112707778-G-C. GRCh37 (hg19) VCF-style: chr5-112043475-G-C.
Other names: c.-123G>C (NM_001354895.2, NM_001407447.1, NM_001407452.1 and 3 more transcripts); c.61G>C, p.Val21Leu (NM_001354897.2, NM_001354902.2, NM_001407446.1); c.-1158G>C (NM_001407470.1, NM_001407472.1); c.-19+129G>C (NM_001407448.1, NM_001407450.1, NM_001407457.1 and 1 more transcripts); c.-43+129G>C (NM_001407453.1); short protein forms V21L.
Identifiers: ClinVar variation 1400050 (VCV001400050.45), dbSNP rs1750607281, ClinGen allele CA360611815.